The following is an entry in ClinVar:

NM_001378457.1(DMXL2):c.3790A>G (p.Met1264Val)

Gene: DMXL2 (Dmx like 2; minus strand). Cytogenetic location: 15q21.2.
Variant type: single nucleotide variant.
Coding change: c.3790A>G on transcript NM_001378457.1 (MANE Select); coding-DNA position 3790, A replaced by G.
Protein change: p.Met1264Val; replaces methionine 1264 with valine.
Molecular consequence: missense variant. On other transcripts: non-coding transcript variant (2), intron variant (2).
Genome position (GRCh38, 1-based): chr15:51,499,434, T>C on the plus strand (A>G on the coding strand, the complement: DMXL2 is on the minus strand). VCF-style: chr15-51499434-T-C. GRCh37 (hg19) VCF-style: chr15-51791631-T-C.
Other names: c.3790A>G, p.Met1264Val (NM_001174116.3, NM_001378458.1, NM_001378459.1 and 4 more transcripts); c.3550A>G, p.Met1184Val (NM_001378464.1); c.2765-7687A>G (NM_001378460.1); c.2765-4300A>G (NM_001174117.3); c.3790A>G (NM_001174116.1); short protein forms M1264V, M1184V.
Identifiers: ClinVar variation 2073068 (VCV002073068.3), dbSNP rs776841858, ClinGen allele CA7562118.

ClinVar aggregate classification (germline): Uncertain significance. Review status: criteria provided, multiple submitters, no conflicts (2 of 4 stars). 2 submissions from 2 submitters: Uncertain significance (2). Last evaluated 2023-05-31.

Conditions:
Inborn genetic diseases. Identifiers: MedGen C0950123, MeSH D030342.

Allele frequency attached by ClinVar (database versions not stated): gnomAD exomes below 0.00001; ExAC 0.00001; TOPMed 0.00001.

Submissions (2):

Ambry Genetics
Classification: Uncertain significance for Inborn genetic diseases. Last evaluated: 2023-05-31. Review status: criteria provided, single submitter. Criteria: Ambry Variant Classification Scheme 2023. Collection method: clinical testing. Allele origin: germline.

Labcorp Genetics (formerly Invitae), Labcorp
Classification: Uncertain significance. Last evaluated: 2022-06-14. Review status: criteria provided, single submitter. Criteria: Invitae Variant Classification Sherloc (09022015). Collection method: clinical testing. Allele origin: germline.
Comment: This sequence change replaces methionine, which is neutral and non-polar, with valine, which is neutral and non-polar, at codon 1264 of the DMXL2 protein (p.Met1264Val). This variant is present in population databases (rs776841858, gnomAD 0.003%). This variant has not been reported in the literature in individuals affected with DMXL2-related conditions. Algorithms developed to predict the effect of missense changes on protein structure and function are either unavailable or do not agree on the potential impact of this missense change (SIFT: "Tolerated"; PolyPhen-2: "Probably Damaging"; Align-GVGD: "Class C0"). In summary, the available evidence is currently insufficient to determine the role of this variant in disease. Therefore, it has been classified as a Variant of Uncertain Significance.